The following is an entry in ClinVar:

NM_000038.6(APC):c.8C>A (p.Ala3Glu)

Gene: APC (APC regulator of Wnt signaling pathway; plus strand). Cytogenetic location: 5q22.2.
Variant type: single nucleotide variant.
Coding change: c.8C>A on transcript NM_000038.6 (MANE Select); coding-DNA position 8, C replaced by A.
Protein change: p.Ala3Glu; replaces alanine 3 with glutamic acid.
Molecular consequence: missense variant. On other transcripts: intron variant (11), 5 prime UTR variant (4), non-coding transcript variant (2).
Genome position (GRCh38, 1-based): chr5:112,754,898, C>A. VCF-style: chr5-112754898-C-A. GRCh37 (hg19) VCF-style: chr5-112090595-C-A.
Other names: c.-42-11428C>A (NM_001354905.2, NM_001407453.1, NM_001354900.2 and 1 more transcripts); c.8C>A, p.Ala3Glu (NM_001127510.3, NM_001354895.2, NM_001354896.2 and 16 more transcripts); c.-1028C>A (NM_001354906.2, NM_001407470.1, NM_001407471.1 and 1 more transcripts); c.166-11428C>A (NM_001407446.1, NM_001354897.2, NM_001354902.2 and 1 more transcripts); c.61-11428C>A (NM_001407451.1, NM_001354898.2, NM_001354904.2); c.8C>A (NM_000038.5); short protein forms A3E.
Identifiers: ClinVar variation 3002360 (VCV003002360.4), dbSNP rs2149737259, ClinGen allele CA16021352.

ClinVar aggregate classification (germline): Uncertain significance. Review status: criteria provided, multiple submitters, no conflicts (2 of 4 stars). 2 submissions from 2 submitters: Uncertain significance (2). Last evaluated 2026-07-09.

Conditions:
Familial adenomatous polyposis 1 (FAP1). Also called: POLYPOSIS, ADENOMATOUS INTESTINAL; FAMILIAL ADENOMATOUS POLYPOSIS 1, ATTENUATED. Identifiers: MedGen C2713442, MONDO:0021056, OMIM 175100. Disease mechanism: loss of function.
Hereditary cancer-predisposing syndrome. Also called: Hereditary Cancer Syndrome; Hereditary neoplastic syndrome; Neoplastic Syndromes, Hereditary; Tumor predisposition. Identifiers: Orphanet 140162, MedGen C0027672, MeSH D009386, MONDO:0015356.

Submissions (2):

Ambry Genetics
Classification: Uncertain significance for Hereditary cancer-predisposing syndrome. Last evaluated: 2026-07-09. Review status: criteria provided, single submitter. Criteria: Ambry Variant Classification Scheme 2023. Collection method: clinical testing. Allele origin: germline.
Comment: The p.A3E variant (also known as c.8C>A), located in coding exon 1 of the APC gene, results from a C to A substitution at nucleotide position 8. The alanine at codon 3 is replaced by glutamic acid, an amino acid with dissimilar properties. This amino acid position is highly conserved in available vertebrate species. Based on the available evidence, the clinical significance of this variant remains unclear.

Labcorp Genetics (formerly Invitae), Labcorp
Classification: Uncertain significance for Familial adenomatous polyposis 1. Last evaluated: 2022-12-04. Review status: criteria provided, single submitter. Criteria: Invitae Variant Classification Sherloc (09022015). Collection method: clinical testing. Allele origin: germline.
Comment: In summary, the available evidence is currently insufficient to determine the role of this variant in disease. Therefore, it has been classified as a Variant of Uncertain Significance. Advanced modeling of protein sequence and biophysical properties (such as structural, functional, and spatial information, amino acid conservation, physicochemical variation, residue mobility, and thermodynamic stability) performed at Invitae indicates that this missense variant is not expected to disrupt APC protein function. This variant has not been reported in the literature in individuals affected with APC-related conditions. This variant is not present in population databases (gnomAD no frequency). This sequence change replaces alanine, which is neutral and non-polar, with glutamic acid, which is acidic and polar, at codon 3 of the APC protein (p.Ala3Glu).